The following is an entry in ClinVar:

NM_000215.4(JAK3):c.2076C>A (p.Ala692=)

Gene: JAK3 (Janus kinase 3; minus strand). Cytogenetic location: 19p13.11.
Variant type: single nucleotide variant.
Coding change: c.2076C>A on transcript NM_000215.4 (MANE Select); coding-DNA position 2076, C replaced by A.
Protein change: p.Ala692=; no amino-acid change (alanine 692 retained).
Molecular consequence: synonymous variant.
Genome position (GRCh38, 1-based): chr19:17,834,975, G>T on the plus strand (C>A on the coding strand, the complement: JAK3 is on the minus strand). VCF-style: chr19-17834975-G-T. GRCh37 (hg19) VCF-style: chr19-17945784-G-T.
Other names: c.2076C>A, p.Ala692= (NM_001440439.1).
Identifiers: ClinVar variation 4823411 (VCV004823411.4).
Genomic context (GRCh38, chr19:17,834,975, plus strand): 5'-GCCGAAGCCCCACTTGTCAGCTTCCAAGCTAAGTGTCTGCGCCTCCCGGAGACACTCGGG[G>T]GCCACCCAGGGGATCCTGTCGGTGAGCACTGAGGGAATGAAAGTGGGATCAGGGATCCAC-3'
Protein context (NP_000206.2, residues 682-702): EMLTDRIPWV[Ala692=]PECLREAQTL

ClinVar aggregate classification (germline): Likely benign (1 of 4 stars; one submission).

Submission:

CeGaT Center for Human Genetics Tuebingen
Classification: Likely benign. Last evaluated: 2026-02-01. Review status: criteria provided, single submitter. Criteria: CeGaT Center For Human Genetics Tuebingen Variant Classification Criteria Version 2. Collection method: clinical testing. Allele origin: germline. Affected: yes. Observed: 1 variant allele.
Comment: JAK3: PM2:Supporting, BP4, BP7